The following is an entry in ClinVar:

ClinVar aggregate classification (germline): Uncertain significance (1 of 4 stars; one submission).

Allele frequency attached by ClinVar (database versions not stated): gnomAD exomes below 0.00001.
gnomAD v4.1: 4 of 1,613,974 alleles (0.00025%); highest among the groups gnomAD compares: Non-Finnish European, 0.00034%; no homozygotes.

Submission:

Labcorp Genetics (formerly Invitae), Labcorp
Classification: Uncertain significance. Last evaluated: 2023-07-05. Review status: criteria provided, single submitter. Criteria: Invitae Variant Classification Sherloc (09022015). Collection method: clinical testing. Allele origin: germline.
Comment: This sequence change replaces proline, which is neutral and non-polar, with serine, which is neutral and polar, at codon 787 of the AP3D1 protein (p.Pro787Ser). This variant is not present in population databases (gnomAD no frequency). This variant has not been reported in the literature in individuals affected with AP3D1-related conditions. An algorithm developed to predict the effect of missense changes on protein structure and function (PolyPhen-2) suggests that this variant is likely to be tolerated. In summary, the available evidence is currently insufficient to determine the role of this variant in disease. Therefore, it has been classified as a Variant of Uncertain Significance.

NM_001261826.3(AP3D1):c.2359C>T (p.Pro787Ser)

Gene: AP3D1 (adaptor related protein complex 3 subunit delta 1; minus strand). Cytogenetic location: 19p13.3.
Variant type: single nucleotide variant.
Coding change: c.2359C>T on transcript NM_001261826.3 (MANE Select); coding-DNA position 2359, C replaced by T.
Protein change: p.Pro787Ser; replaces proline 787 with serine.
Molecular consequence: missense variant.
Genome position (GRCh38, 1-based): chr19:2,114,812, G>A on the plus strand (C>T on the coding strand, the complement: AP3D1 is on the minus strand). VCF-style: chr19-2114812-G-A. GRCh37 (hg19) VCF-style: chr19-2114811-G-A.
Other names: c.2359C>T, p.Pro787Ser (NM_001374799.1, NM_003938.8); short protein forms P787S.
Identifiers: ClinVar variation 2771324 (VCV002771324.3), dbSNP rs2512150151, ClinGen allele CA403210639.